The following is an entry in ClinVar:

NM_000540.3(RYR1):c.5995C>T (p.Arg1999Cys)

Gene: RYR1 (ryanodine receptor 1; plus strand). Cytogenetic location: 19q13.2.
Variant type: single nucleotide variant.
Coding change: c.5995C>T on transcript NM_000540.3 (MANE Select); coding-DNA position 5995, C replaced by T.
Protein change: p.Arg1999Cys; replaces arginine 1999 with cysteine.
Molecular consequence: missense variant.
Genome position (GRCh38, 1-based): chr19:38,490,256, C>T. VCF-style: chr19-38490256-C-T. GRCh37 (hg19) VCF-style: chr19-38980896-C-T.
Other names: c.5995C>T, p.Arg1999Cys (NM_001042723.2); short protein forms R1999C.
Identifiers: ClinVar variation 844219 (VCV000844219.9), dbSNP rs767508472, ClinGen allele CA067606.
Genomic context (GRCh38, chr19:38,490,256, plus strand): 5'-CTCCTCATAAAAGCCTTCAGCATGACCGCAGCAGAGACTGCAAGACGTACCCGCGAGTTC[C>T]GCTCCCCACCCCAGGAACAGGTCATCTGACCCCTGACGCTGGCCACTTTTACTGTCTAAA-3'
Protein context (NP_000531.2, residues 1989-2009): AETARRTREF[Arg1999Cys]SPPQEQINML

ClinVar aggregate classification (germline): Conflicting classifications of pathogenicity. Review status: criteria provided, conflicting classifications (1 of 4 stars). 2 submissions from 2 submitters: Pathogenic (1); Uncertain significance (1). Last evaluated 2025-04-27.

Conditions:
RYR1-related disorder. Also called: RYR1-related disorders; RYR1-related condition. Identifiers: MedGen CN239331.
Malignant hyperthermia, susceptibility to, 1 (MHS1). Also called: Anesthesia related hyperthermia; Malignant hyperpyrexia; Fulminating hyperpyrexia; Pharmacogenic myopathy; Malignant hyperthermia suceptibility 1; RYR1-Related Malignant Hyperthermia Susceptibility. Identifiers: Orphanet 423, MedGen C2930980, MONDO:0007783, OMIM 145600.

Allele frequency attached by ClinVar (database versions not stated): gnomAD below 0.00001 and 0.00001; gnomAD exomes 0.00001; TOPMed 0.00001; ExAC 0.00003.
gnomAD v4.1: 11 of 1,613,874 alleles (0.00068%); highest among the groups gnomAD compares: South Asian, 0.0055%; no homozygotes.

Submissions (2):

Labcorp Genetics (formerly Invitae), Labcorp
Classification: Pathogenic for RYR1-related disorder. Last evaluated: 2025-04-27. Review status: criteria provided, single submitter. Criteria: Invitae Variant Classification Sherloc (09022015). Collection method: clinical testing. Allele origin: germline.
Comment: This sequence change replaces arginine, which is basic and polar, with cysteine, which is neutral and slightly polar, at codon 1999 of the RYR1 protein (p.Arg1999Cys). The frequency data for this variant in the population databases is considered unreliable, as metrics indicate poor data quality at this position in the gnomAD database. This missense change has been observed in individual(s) with clinical features of autosomal recessive RYR1-related conditions (PMID: 25326637; internal data). In at least one individual the data is consistent with being in trans (on the opposite chromosome) from a pathogenic variant. ClinVar contains an entry for this variant (Variation ID: 844219). Invitae Evidence Modeling of protein sequence and biophysical properties (such as structural, functional, and spatial information, amino acid conservation, physicochemical variation, residue mobility, and thermodynamic stability) indicates that this missense variant is expected to disrupt RYR1 protein function with a positive predictive value of 80%. For these reasons, this variant has been classified as Pathogenic.

All of Us Research Program, National Institutes of Health
Classification: Uncertain significance for Malignant hyperthermia, susceptibility to, 1. Last evaluated: 2024-09-23. Review status: criteria provided, single submitter. Criteria: ACMG Guidelines, 2015. Collection method: clinical testing. Allele origin: germline. Inheritance: Autosomal dominant inheritance. Observed: 1 variant allele, 1 heterozygote.
Comment: This study involves interpretation of variants in research participants for the purpose of population health screening. Participant phenotype was not available at the time of variant classification. Additional details can be found in publication PMID: 35346344, PMCID: PMC8962531

Literature cited by the submitters: PubMed 25326637 (cited by Labcorp Genetics (formerly Invitae), Labcorp).